The following is an entry in ClinVar:

NM_020547.3(AMHR2):c.1510C>T (p.Arg504Cys)

Gene: AMHR2 (anti-Mullerian hormone receptor type 2; plus strand). Cytogenetic location: 12q13.13.
Variant type: single nucleotide variant.
Coding change: c.1510C>T on transcript NM_020547.3 (MANE Select); coding-DNA position 1510, C replaced by T.
Protein change: p.Arg504Cys; replaces arginine 504 with cysteine.
Molecular consequence: missense variant. On other transcripts: 3 prime UTR variant (1).
Genome position (GRCh38, 1-based): chr12:53,431,261, C>T. VCF-style: chr12-53431261-C-T. GRCh37 (hg19) VCF-style: chr12-53825045-C-T.
Other names: c.*69C>T (NM_001164690.2); c.1225C>T, p.Arg409Cys (NM_001164691.2); short protein forms R409C, R504C.
Identifiers: ClinVar variation 2581234 (VCV002581234.1), dbSNP rs772294564, ClinGen allele CA6600636.

ClinVar aggregate classification (germline): Pathogenic (1 of 4 stars; one submission).

Conditions:
Persistent Mullerian duct syndrome (PMDS). Also called: PERSISTENT MULLERIAN DUCT SYNDROME, TYPES I AND II; FEMALE GENITAL DUCTS IN OTHERWISE NORMAL MALE; PERSISTENT OVIDUCT SYNDROME; PSEUDOHERMAPHRODITISM, MALE INTERNAL; HERNIA UTERI INGUINALE. Identifiers: Orphanet 2856, MedGen C1849930, MONDO:0009857, OMIM 261550.

Allele frequency attached by ClinVar (database versions not stated): gnomAD exomes below 0.00001; ExAC 0.00001; gnomAD 0.00001.
gnomAD v4.1: 6 of 1,614,114 alleles (0.00037%); highest among the groups gnomAD compares: South Asian, 0.0022%; no homozygotes.

Submission:

Women's Health and Genetics/Laboratory Corporation of America, LabCorp
Classification: Pathogenic for Persistent Mullerian duct syndrome. Last evaluated: 2023-08-02. Review status: criteria provided, single submitter. Criteria: LabCorp Variant Classification Summary - May 2015. Collection method: clinical testing. Allele origin: germline.
Comment: Variant summary: AMHR2 c.1510C>T (p.Arg504Cys) results in a non-conservative amino acid change located in the protein kinase domain (IPR000719) of the encoded protein sequence. Five of five in-silico tools predict a damaging effect of the variant on protein function. The variant allele was found at a frequency of 4e-06 in 251426 control chromosomes (gnomAD). The available data on variant occurrences in the general population are insufficient to allow any conclusion about variant significance. c.1510C>T has been reported in the literature in multiple compound heterozygous and homozygous individuals affected with Persistent Mullerian duct syndrome (e.g., Imbeaud_1996, Avolio_2003, Picard_2017, Bugrul_2019, Unal_2021). These data indicate that the variant is very likely to be associated with disease. At least one publication reports experimental evidence evaluating an impact on protein function, finding that the variant protein was unable to mediate AMH activation of Smad1 in vitro (e.g., Belville_2009). The following publications have been ascertained in the context of this evaluation (PMID: 19457927, 32961540, 8872466, 28528332, 33025551, 12893352). No submitters have reported clinical-significance assessments for this variant to ClinVar after 2014. Based on the evidence outlined above, the variant was classified as pathogenic.

Literature cited by the submitters: PubMed 12893352; PubMed 19457927; PubMed 32961540; PubMed 8872466; PubMed 28528332; PubMed 33025551.